The following is an entry in ClinVar:

NM_001009944.3(PKD1):c.1148C>G (p.Ser383Ter)

Gene: PKD1 (polycystin 1, transient receptor potential channel interacting; minus strand). Cytogenetic location: 16p13.3.
Variant type: single nucleotide variant.
Coding change: c.1148C>G on transcript NM_001009944.3 (MANE Select); coding-DNA position 1148, C replaced by G.
Protein change: p.Ser383Ter; replaces serine 383 with a stop codon.
Molecular consequence: nonsense.
Genome position (GRCh38, 1-based): chr16:2,117,844, G>C on the plus strand (C>G on the coding strand, the complement: PKD1 is on the minus strand). VCF-style: chr16-2117844-G-C. GRCh37 (hg19) VCF-style: chr16-2167845-G-C.
Other names: c.1148C>G, p.Ser383Ter (NM_000296.4); short protein forms S383*.
Identifiers: ClinVar variation 3573615 (VCV003573615.2).

ClinVar aggregate classification (germline): Pathogenic (1 of 4 stars; one submission).

Submission:

GeneDx
Classification: Pathogenic. Last evaluated: 2025-04-03. Review status: criteria provided, single submitter. Criteria: GeneDx Variant Classification Process June 2021. Collection method: clinical testing. Allele origin: germline.
Comment: Nonsense variant predicted to result in protein truncation or nonsense mediated decay in a gene for which loss of function is a known mechanism of disease; Not observed at significant frequency in large population cohorts (gnomAD); This variant is associated with the following publications: (PMID: 37231942)